The following is an entry in ClinVar:

NM_001348716.2(KDM6B):c.692G>C (p.Arg231Thr)

Gene: KDM6B (lysine demethylase 6B; plus strand). Cytogenetic location: 17p13.1.
Variant type: single nucleotide variant.
Coding change: c.692G>C on transcript NM_001348716.2 (MANE Select); coding-DNA position 692, G replaced by C.
Protein change: p.Arg231Thr; replaces arginine 231 with threonine.
Molecular consequence: missense variant.
Genome position (GRCh38, 1-based): chr17:7,846,721, G>C. VCF-style: chr17-7846721-G-C. GRCh37 (hg19) VCF-style: chr17-7750039-G-C.
Other names: c.692G>C, p.Arg231Thr (NM_001080424.2); short protein forms R231T.
Identifiers: ClinVar variation 2629660 (VCV002629660.2), dbSNP rs2544521877, ClinGen allele CA397913773.

ClinVar aggregate classification (germline): Uncertain significance (1 of 4 stars; one submission).

Conditions:
KDM6B-related disorder. Also called: KDM6B-related condition.

gnomAD v4.1: 1 of 1,614,126 alleles (0.000062%); highest among the groups gnomAD compares: Non-Finnish European, 0.000085%; no homozygotes.

Submission:

PreventionGenetics, part of Exact Sciences
Classification: Uncertain significance for KDM6B-related condition. Last evaluated: 2026-07-17. Review status: criteria provided, single submitter. Criteria: ACMG Guidelines, 2015. Collection method: clinical testing. Allele origin: germline.
Comment: The KDM6B c.692G>C variant is predicted to result in the amino acid substitution p.Arg231Thr. To our knowledge, this variant has not been reported in the literature or in a large population database (gnomAD), indicating this variant is rare. At this time, the clinical significance of this variant is uncertain due to the absence of conclusive functional and genetic evidence.